The following is an entry in ClinVar:

NM_015545.4(PTCD1):c.307C>T (p.Arg103Cys)

Genes: ATP5MF-PTCD1 (ATP5MF-PTCD1 readthrough; minus strand), PTCD1 (pentatricopeptide repeat domain 1; minus strand). Cytogenetic location: 7q22.1.
Variant type: single nucleotide variant.
Coding change: c.307C>T on transcript NM_015545.4 (MANE Select); coding-DNA position 307, C replaced by T.
Protein change: p.Arg103Cys; replaces arginine 103 with cysteine.
Molecular consequence: missense variant.
Genome position (GRCh38, 1-based): chr7:99,434,936, G>A on the plus strand (C>T on the coding strand, the complement: PTCD1 is on the minus strand). VCF-style: chr7-99434936-G-A. GRCh37 (hg19) VCF-style: chr7-99032559-G-A.
Other names: c.454C>T, p.Arg152Cys (NM_001198879.2); short protein forms R103C, R152C.
Identifiers: ClinVar variation 424616 (VCV000424616.4), dbSNP rs150504114, ClinGen allele CA4365249.

ClinVar aggregate classification (germline): Benign. Review status: criteria provided, multiple submitters, no conflicts (2 of 4 stars). 2 submissions from 2 submitters: Benign (2).

Conditions:
Kabuki syndrome 1 (KABUK1). Also called: KMT2D-Related Kabuki Syndrome. Identifiers: Orphanet 2322, MedGen CN030661, MONDO:0007843, OMIM 147920.

Allele frequency attached by ClinVar (database versions not stated): 1000 Genomes Project 0.00719; 1000 Genomes Project 30x 0.00828; gnomAD 0.00853 and 0.00871; ExAC 0.00927; gnomAD exomes 0.00956 and 0.01162; TOPMed 0.00970; ESP Exome Variant Server 0.01046.
gnomAD v4.1: 18,351 of 1,614,224 alleles (1.1%); highest among the groups gnomAD compares: Admixed American, 1.5%; 129 homozygotes.

Submissions (2):

Breakthrough Genomics
Classification: Benign. Review status: criteria provided, single submitter. Criteria: ACMG Guidelines, 2015. Collection method: not provided. Allele origin: germline. Inheritance: Unknown mechanism. Affected: yes.

Broad Center for Mendelian Genomics, Broad Institute of MIT and Harvard
Classification: Benign for Kabuki syndrome 1. Review status: criteria provided, single submitter. Criteria: ACMG Guidelines, 2015. Collection method: research. Allele origin: germline. Inheritance: Autosomal recessive inheritance. Affected: yes.
Comment: The heterozygous p.Arg103Cys variant, sometimes called p.Arg152Cys due to a difference in cDNA numbering, in PTCD1 has been identified in an individual with Complex I deficiency (PMID: 20818383), and has been identified in >1% of European (non-Finnish) chromosomes and 13 homozygotes by ExAC. In summary, this variant meets criteria to be classified as benign for autosomal recessive Complex I deficiency.

Literature cited by the submitters: PubMed 20818383 (cited by Broad Center for Mendelian Genomics, Broad Institute of MIT and Harvard).